The following is an entry in ClinVar:

NM_000283.4(PDE6B):c.1493C>T (p.Thr498Ile)

Gene: PDE6B (phosphodiesterase 6B; plus strand). Cytogenetic location: 4p16.3.
Variant type: single nucleotide variant.
Coding change: c.1493C>T on transcript NM_000283.4 (MANE Select); coding-DNA position 1493, C replaced by T.
Protein change: p.Thr498Ile; replaces threonine 498 with isoleucine.
Molecular consequence: missense variant.
Genome position (GRCh38, 1-based): chr4:660,492, C>T. VCF-style: chr4-660492-C-T. GRCh37 (hg19) VCF-style: chr4-654281-C-T.
Other names: c.1493C>T, p.Thr498Ile (NM_001145291.2); c.656C>T, p.Thr219Ile (NM_001145292.2, NM_001350154.3, NM_001379246.1 and 1 more transcripts); c.338C>T, p.Thr113Ile (NM_001350155.3); short protein forms T113I, T219I, T498I.
Identifiers: ClinVar variation 3676383 (VCV003676383.2).

ClinVar aggregate classification (germline): Uncertain significance (1 of 4 stars; one submission).

gnomAD v4.1: 9 of 1,613,948 alleles (0.00056%); highest among the groups gnomAD compares: Non-Finnish European, 0.00068%; no homozygotes.

Submission:

Labcorp Genetics (formerly Invitae), Labcorp
Classification: Uncertain significance. Last evaluated: 2024-06-28. Review status: criteria provided, single submitter. Criteria: Invitae Variant Classification Sherloc (09022015). Collection method: clinical testing. Allele origin: germline.
Comment: This sequence change replaces threonine, which is neutral and polar, with isoleucine, which is neutral and non-polar, at codon 498 of the PDE6B protein (p.Thr498Ile). This variant is present in population databases (rs767744209, gnomAD 0.003%). This variant has not been reported in the literature in individuals affected with PDE6B-related conditions. Advanced modeling of protein sequence and biophysical properties (such as structural, functional, and spatial information, amino acid conservation, physicochemical variation, residue mobility, and thermodynamic stability) performed at Invitae indicates that this missense variant is not expected to disrupt PDE6B protein function with a negative predictive value of 95%. In summary, the available evidence is currently insufficient to determine the role of this variant in disease. Therefore, it has been classified as a Variant of Uncertain Significance.